The following is an entry in ClinVar:

NM_018668.5(VPS33B):c.1701C>T (p.Leu567=)

Gene: VPS33B (VPS33B late endosome and lysosome associated; minus strand). Cytogenetic location: 15q26.1.
Variant type: single nucleotide variant.
Coding change: c.1701C>T on transcript NM_018668.5 (MANE Select); coding-DNA position 1701, C replaced by T.
Protein change: p.Leu567=; no amino-acid change (leucine 567 retained).
Molecular consequence: synonymous variant.
Genome position (GRCh38, 1-based): chr15:90,999,750, G>A on the plus strand (C>T on the coding strand, the complement: VPS33B is on the minus strand). VCF-style: chr15-90999750-G-A. GRCh37 (hg19) VCF-style: chr15-91542980-G-A.
Other names: p.Leu567=; c.1620C>T, p.Leu540= (NM_001289148.1); c.1428C>T, p.Leu476= (NM_001289149.1).
Identifiers: ClinVar variation 195694 (VCV000195694.21), dbSNP rs146999653, ClinGen allele CA201899.

ClinVar aggregate classification (germline): Benign/Likely benign. Review status: criteria provided, multiple submitters, no conflicts (2 of 4 stars). 6 submissions from 6 submitters: Benign (1); Likely benign (5). Last evaluated 2026-01-06.

Conditions:
Arthrogryposis, renal dysfunction, and cholestasis 1 (ARCS1). Identifiers: Orphanet 2697, MedGen C1859722, MONDO:0008822, OMIM 208085.

Allele frequency attached by ClinVar (database versions not stated): gnomAD exomes 0.00017 and 0.00033; ExAC 0.00041; 1000 Genomes Project 0.00060; 1000 Genomes Project 30x 0.00078; ESP Exome Variant Server 0.00139; gnomAD 0.00153 and 0.00165; TOPMed 0.00167.
gnomAD v4.1: 497 of 1,614,164 alleles (0.031%); highest among the groups gnomAD compares: African/African-American, 0.56%; 1 homozygote.

Submissions (6):

Labcorp Genetics (formerly Invitae), Labcorp
Classification: Benign. Last evaluated: 2026-01-06. Review status: criteria provided, single submitter. Criteria: Invitae Variant Classification Sherloc (09022015). Collection method: clinical testing. Allele origin: germline.

Mayo Clinic Laboratories, Mayo Clinic
Classification: Likely benign. Last evaluated: 2025-10-07. Review status: criteria provided, single submitter. Criteria: ACMG Guidelines, 2015. Collection method: clinical testing. Allele origin: germline. Observed: 1 variant allele.
Comment: BS1, BP4, BP7

Blueprint Genetics
Classification: Likely benign. Last evaluated: 2024-06-28. Review status: criteria provided, single submitter. Criteria: ACMG Guidelines, 2015. Collection method: clinical testing. Allele origin: germline.

Illumina Laboratory Services, Illumina
Classification: Likely benign for Arthrogryposis, renal dysfunction, and cholestasis 1. Last evaluated: 2018-01-12. Review status: criteria provided, single submitter. Criteria: ICSL Variant Classification Criteria 13 December 2019. Collection method: clinical testing. Allele origin: germline.
Comment: This variant was observed in the ICSL laboratory as part of a predisposition screen in an ostensibly healthy population. It had not been previously curated by ICSL or reported in the Human Gene Mutation Database (HGMD: prior to June 1st, 2018), and was therefore a candidate for classification through an automated scoring system. Utilizing variant allele frequency, disease prevalence and penetrance estimates, and inheritance mode, an automated score was calculated to assess if this variant is too frequent to cause the disease. Based on the score and internal cut-off values, a variant classified as likely benign is not then subjected to further curation. The score for this variant resulted in a classification of likely benign for this disease.

Eurofins Ntd Llc (ga)
Classification: Likely benign. Last evaluated: 2015-05-19. Review status: criteria provided, single submitter. Criteria: EGL Classification Definitions 2015. Collection method: clinical testing. Allele origin: germline. Observed: 1 variant allele, 1 heterozygote.

Breakthrough Genomics
Classification: Likely benign. Review status: criteria provided, single submitter. Criteria: ACMG Guidelines, 2015. Collection method: not provided. Allele origin: germline. Inheritance: Autosomal recessive inheritance. Affected: yes.